The following is an entry in ClinVar:

ClinVar aggregate classification (germline): Likely pathogenic (1 of 4 stars; one submission).

Allele frequency attached by ClinVar (database versions not stated): gnomAD exomes below 0.00001; TOPMed below 0.00001; gnomAD 0.00001.
gnomAD v4.1: 4 of 1,613,360 alleles (0.00025%); highest among the groups gnomAD compares: Non-Finnish European, 0.00034%; no homozygotes.

Submission:

Labcorp Genetics (formerly Invitae), Labcorp
Classification: Likely pathogenic. Last evaluated: 2022-05-19. Review status: criteria provided, single submitter. Criteria: Invitae Variant Classification Sherloc (09022015). Collection method: clinical testing. Allele origin: germline.
Comment: This sequence change affects a donor splice site in intron 16 of the LAMC3 gene. It is expected to disrupt RNA splicing. Variants that disrupt the donor or acceptor splice site typically lead to a loss of protein function (PMID: 16199547), and loss-of-function variants in LAMC3 are known to be pathogenic (PMID: 21572413, 26802095). This variant is present in population databases (no rsID available, gnomAD 0.0009%). In summary, the currently available evidence indicates that the variant is pathogenic, but additional data are needed to prove that conclusively. Therefore, this variant has been classified as Likely Pathogenic. Algorithms developed to predict the effect of sequence changes on RNA splicing suggest that this variant may disrupt the consensus splice site. This variant has not been reported in the literature in individuals affected with LAMC3-related conditions.

Literature cited by the submitters: PubMed 16199547; PubMed 21572413; PubMed 26802095.

NM_006059.4(LAMC3):c.2890+1G>A

Gene: LAMC3 (laminin subunit gamma 3; plus strand). Cytogenetic location: 9q34.12.
Variant type: single nucleotide variant.
Coding change: c.2890+1G>A on transcript NM_006059.4 (MANE Select); the canonical splice donor site of the intron after coding-DNA position 2890, G replaced by A.
Molecular consequence: splice donor variant.
Genome position (GRCh38, 1-based): chr9:131,069,051, G>A. VCF-style: chr9-131069051-G-A. GRCh37 (hg19) VCF-style: chr9-133944438-G-A.
Identifiers: ClinVar variation 1939700 (VCV001939700.5), dbSNP rs1285969385, ClinGen allele CA375255133.